The following is an entry in ClinVar:

NM_001184880.2(PCDH19):c.846C>T (p.Asn282=)

Gene: PCDH19 (protocadherin 19; minus strand). Cytogenetic location: Xq22.1.
Variant type: single nucleotide variant.
Coding change: c.846C>T on transcript NM_001184880.2 (MANE Select); coding-DNA position 846, C replaced by T.
Protein change: p.Asn282=; no amino-acid change (asparagine 282 retained).
Molecular consequence: synonymous variant.
Genome position (GRCh38, 1-based): chrX:100,407,752, G>A on the plus strand (C>T on the coding strand, the complement: PCDH19 is on the minus strand). VCF-style: chrX-100407752-G-A. GRCh37 (hg19) VCF-style: chrX-99662750-G-A.
Other names: c.846C>T, p.Asn282= (NM_001105243.2, NM_020766.3).
Identifiers: ClinVar variation 465310 (VCV000465310.21), dbSNP rs750813033, ClinGen allele CA10468946.
Genomic context (GRCh38, chrX:100,407,752, plus strand): 5'-GCCAGTGACAGTGACCAGGCCACTGTGCGGGTCGATCTGAAAGAGCTCGCGCGTGCGGTC[G>A]TTGACGTAGCCATAGAAGGAGTAGACCACCTGGCCGTTGGTGCCCTCGTCTGGATCGCTG-3'
Protein context (NP_001171809.1, residues 272-292): QVVYSFYGYV[Asn282=]DRTRELFQID

ClinVar aggregate classification (germline): Likely benign. Review status: criteria provided, multiple submitters, no conflicts (2 of 4 stars). 3 submissions from 3 submitters: Likely benign (3). Last evaluated 2025-09-09.

Conditions:
Developmental and epileptic encephalopathy, 9 (DEE9). Also called: Early infantile epileptic encephalopathy 9; EPILEPSY, FEMALE-RESTRICTED, WITH MENTAL RETARDATION; JUBERG-HELLMAN SYNDROME; PCDH19-Related X-Linked Female-Limited Epilepsy with Mental Retardation. Identifiers: Orphanet 101039, Orphanet 2076, MedGen C1848137, MONDO:0010246, OMIM 300088. Disease mechanism: loss of function.

Allele frequency attached by ClinVar (database versions not stated): gnomAD 0.00003 and 0.00004; gnomAD exomes 0.00003; ExAC 0.00005; TOPMed 0.00005; 1000 Genomes Project 0.00026; 1000 Genomes Project 30x 0.00042.
gnomAD v4.1: 39 of 1,211,137 alleles (0.0032%); highest among the groups gnomAD compares: Non-Finnish European, 0.0039%; no homozygotes.

Submissions (3):

Labcorp Genetics (formerly Invitae), Labcorp
Classification: Likely benign for Developmental and epileptic encephalopathy, 9. Last evaluated: 2025-09-09. Review status: criteria provided, single submitter. Criteria: Invitae Variant Classification Sherloc (09022015). Collection method: clinical testing. Allele origin: germline.

CeGaT Center for Human Genetics Tuebingen
Classification: Likely benign. Last evaluated: 2025-06-01. Review status: criteria provided, single submitter. Criteria: CeGaT Center For Human Genetics Tuebingen Variant Classification Criteria Version 2. Collection method: clinical testing. Allele origin: germline. Affected: yes. Observed: 1 variant allele.
Comment: PCDH19: BP4, BP7, BS2

Blueprint Genetics
Classification: Likely benign. Last evaluated: 2021-09-09. Review status: criteria provided, single submitter. Criteria: ACMG Guidelines, 2015. Collection method: clinical testing. Allele origin: germline.